The following is an entry in ClinVar:

ClinVar aggregate classification (germline): Likely benign (1 of 4 stars; one submission).

Conditions:
PLXNA1-related disorder. Also called: PLXNA1-related condition.

gnomAD v4.1: 78 of 1,612,988 alleles (0.0048%); highest among the groups gnomAD compares: Non-Finnish European, 0.0058%; no homozygotes.

Submission:

PreventionGenetics, part of Exact Sciences
Classification: Likely benign for PLXNA1-related condition. Last evaluated: 2026-06-24. Review status: criteria provided, single submitter. Criteria: ACMG Guidelines, 2015. Collection method: clinical testing. Allele origin: germline.
Comment: This variant is classified as likely benign based on ACMG/AMP sequence variant interpretation guidelines (Richards et al. 2015 PMID: 25741868, with internal and published modifications).

NM_032242.4(PLXNA1):c.4914G>A (p.Ser1638=)

Gene: PLXNA1 (plexin A1; plus strand). Cytogenetic location: 3q21.3.
Variant type: single nucleotide variant.
Coding change: c.4914G>A on transcript NM_032242.4 (MANE Select); coding-DNA position 4914, G replaced by A.
Protein change: p.Ser1638=; no amino-acid change (serine 1638 retained).
Molecular consequence: synonymous variant.
Genome position (GRCh38, 1-based): chr3:127,029,917, G>A. VCF-style: chr3-127029917-G-A. GRCh37 (hg19) VCF-style: chr3-126748760-G-A.
Identifiers: ClinVar variation 4978616 (VCV004978616.1).
Genomic context (GRCh38, chr3:127,029,917, plus strand): 5'-ACAGCCTGGTGCTGCAGAGAGCATGCTGCGCACGGCCAGCAGCCCCGACAGCCTGCGCTC[G>A]CGCACGCCCATGATCACGCCCGACCTGGAGAGCGGCACCAAGCTGTGGCACCTGGTGAAG-3'
Protein context (NP_115618.3, residues 1628-1648): RTASSPDSLR[Ser1638=]RTPMITPDLE